The following is an entry in ClinVar:

NM_017780.4(CHD7):c.632G>A (p.Ser211Asn)

Gene: CHD7 (chromodomain helicase DNA binding protein 7; plus strand). Cytogenetic location: 8q12.2.
Variant type: single nucleotide variant.
Coding change: c.632G>A on transcript NM_017780.4 (MANE Select); coding-DNA position 632, G replaced by A.
Protein change: p.Ser211Asn; replaces serine 211 with asparagine.
Molecular consequence: missense variant.
Genome position (GRCh38, 1-based): chr8:60,742,064, G>A. VCF-style: chr8-60742064-G-A. GRCh37 (hg19) VCF-style: chr8-61654623-G-A.
Other names: c.632G>A, p.Ser211Asn (NM_001316690.1); short protein forms S211N.
Identifiers: ClinVar variation 4690203 (VCV004690203.1).
Genomic context (GRCh38, chr8:60,742,064, plus strand): 5'-GCTATATGGCACGTGGGGATTTTTCCATGCAGCAGCATGGTCAGCCACAGCAGAGGATGA[G>A]CCAGTTTTCCCAAGGCCAAGAGGGCCTCAATCAGGGAAATCCTTTTATTGCCACCTCAGG-3'
Protein context (NP_060250.2, residues 201-221): QQHGQPQQRM[Ser211Asn]QFSQGQEGLN

ClinVar aggregate classification (germline): Uncertain significance (1 of 4 stars; one submission).

Submission:

GeneDx
Classification: Uncertain significance. Last evaluated: 2025-08-01. Review status: criteria provided, single submitter. Criteria: GeneDx Variant Classification Process June 2021. Collection method: clinical testing. Allele origin: germline. Affected: yes.
Comment: Not observed at significant frequency in large population cohorts (gnomAD); In silico analysis suggests that this missense variant does not alter protein structure/function; Has not been previously published as pathogenic or benign to our knowledge